The following is an entry in ClinVar:

NM_005529.7(HSPG2):c.2288G>C (p.Gly763Ala)

Gene: HSPG2 (heparan sulfate proteoglycan 2; minus strand). Cytogenetic location: 1p36.12.
Variant type: single nucleotide variant.
Coding change: c.2288G>C on transcript NM_005529.7 (MANE Select); coding-DNA position 2288, G replaced by C.
Protein change: p.Gly763Ala; replaces glycine 763 with alanine.
Molecular consequence: missense variant.
Genome position (GRCh38, 1-based): chr1:21,880,162, C>G on the plus strand (G>C on the coding strand, the complement: HSPG2 is on the minus strand). VCF-style: chr1-21880162-C-G. GRCh37 (hg19) VCF-style: chr1-22206655-C-G.
Other names: c.2291G>C, p.Gly764Ala (NM_001291860.2); short protein forms G763A, G764A.
Identifiers: ClinVar variation 2102718 (VCV002102718.4), dbSNP rs2550778641, ClinGen allele CA338965200.

ClinVar aggregate classification (germline): Uncertain significance (1 of 4 stars; one submission).

Allele frequency attached by ClinVar (database versions not stated): gnomAD exomes below 0.00001.
gnomAD v4.1: 1 of 1,614,112 alleles (0.000062%); highest among the groups gnomAD compares: South Asian, 0.0011%; no homozygotes.

Submission:

Labcorp Genetics (formerly Invitae), Labcorp
Classification: Uncertain significance. Last evaluated: 2022-02-25. Review status: criteria provided, single submitter. Criteria: Invitae Variant Classification Sherloc (09022015). Collection method: clinical testing. Allele origin: germline.
Comment: This sequence change replaces glycine, which is neutral and non-polar, with alanine, which is neutral and non-polar, at codon 763 of the HSPG2 protein (p.Gly763Ala). This variant is not present in population databases (gnomAD no frequency). This variant has not been reported in the literature in individuals affected with HSPG2-related conditions. Algorithms developed to predict the effect of missense changes on protein structure and function are either unavailable or do not agree on the potential impact of this missense change (SIFT: "Deleterious"; PolyPhen-2: "Probably Damaging"; Align-GVGD: "Class C0"). In summary, the available evidence is currently insufficient to determine the role of this variant in disease. Therefore, it has been classified as a Variant of Uncertain Significance.